The following continues an entry in ClinVar:

NM_000059.4(BRCA2):c.7757G>A (p.Trp2586Ter)

Gene: BRCA2. ClinVar aggregate classification (germline): Pathogenic. Pathogenic (1).

Submissions 12 to 23 of 23:

GeneDx
Classification: Pathogenic. Last evaluated: 2023-03-03. Review status: criteria provided, single submitter. Criteria: GeneDx Variant Classification Process June 2021. Collection method: clinical testing. Allele origin: germline. Affected: yes. Not counted in ClinVar's aggregate classification.
Comment: Nonsense variant predicted to result in protein truncation or nonsense mediated decay in a gene for which loss-of-function is a known mechanism of disease; Observed in individuals with personal or family history of BRCA2-related cancers (Perkowska et al., 2003; Jonsson et al., 2005; George et al., 2013; Walker et al., 2014; Murali et al., 2021; Evans et al., 2022); Truncating variants in this gene are considered pathogenic by a well-established clinical consortium and/or database; Not observed at significant frequency in large population cohorts (gnomAD); Also known as 7985G>A; This variant is associated with the following publications: (PMID: 25628955, 25371446, 26833046, 28127413, 11802209, 19620486, 34657373, 29922827, 28888541, 23633455, 12673801, 23035815, 24333842, 16140926, 16528604, 27225637, 25485004, 12442275, 22655046, 25716084, 23233716, 27836010, 19899408, 17761984, 22711857, 29752822, 29446198, 30720243, 25525159, 31825140, 30787465, 33087929, 23524863, 20104584, 23569316, 33113089, 34399810, 33471991, 33758026)

Women's Health and Genetics/Laboratory Corporation of America, LabCorp
Classification: Pathogenic for Hereditary breast ovarian cancer syndrome. Last evaluated: 2021-05-30. Review status: criteria provided, single submitter. Criteria: LabCorp Variant Classification Summary - May 2015. Collection method: clinical testing. Allele origin: germline. Not counted in ClinVar's aggregate classification.
Comment: Variant summary: BRCA2 c.7757G>A (p.Trp2586X) results in a premature termination codon, predicted to cause a truncation of the encoded protein or absence of the protein due to nonsense mediated decay, which are commonly known mechanisms for disease. Truncations downstream of this position have been classified as pathogenic by our laboratory. The variant allele was found at a frequency of 8e-06 in 251434 control chromosomes. c.7757G>A has been reported in the literature in multiple individuals affected with Hereditary Breast And Ovarian Cancer Syndrome (example, Rebbeck_2018). These data indicate that the variant is very likely to be associated with disease. Multiple clinical diagnostic laboratories, an expert panel (ENIGMA) and a large consortium (CIMBA) have submitted clinical-significance assessments for this variant to ClinVar after 2014 without evidence for independent evaluation. All submitters classified the variant as pathogenic. Based on the evidence outlined above, the variant was classified as pathogenic.

Genetics and Molecular Pathology, SA Pathology
Classification: Pathogenic for Breast-ovarian cancer, familial, susceptibility to, 2. Last evaluated: 2020-06-05. Review status: criteria provided, single submitter. Criteria: ACMG Guidelines, 2015. Collection method: clinical testing. Allele origin: germline. Affected: yes. Not counted in ClinVar's aggregate classification.
Comment: The BRCA2 c.7757G>A variant is classified as Pathogenic (PVS1, PM2, PP5) The BRCA2 c.7757G>A variant is a single nucleotide change which is predicted to result in premature termination of the protein product at codon 2586. The variant is rare in population databases (gnomAD allele frequency = 0.00081% (PM2). The variant has been reported in dbSNP (rs80359003) and has been reported as Pathogenic by other diagnostic laboratories (ClinVar Variation ID: 52401).

Laboratory for Molecular Medicine, Mass General Brigham Personalized Medicine
Classification: Pathogenic for Hereditary breast ovarian cancer syndrome. Last evaluated: 2019-10-14. Review status: criteria provided, single submitter. Criteria: ACMG Guidelines, 2015. Collection method: clinical testing. Allele origin: germline. Not counted in ClinVar's aggregate classification.
Comment: The p.Trp2586X variant in BRCA2 has been reported in at least 14 individuals with BRCA2-related cancer (Perkowska 2003, Willems-Jones 2012, George 2013, Li 2018, BIC database). It has also been identified in 2/113726 European chromosomes by gnomAD; however, this frequency is low enough to be consistent with the frequency of hereditary breast and ovarian cancer (HBOC) in the general population. This variant leads to a premature termination codon at position 2586, which is predicted to lead to a truncated or absent protein. Loss of function of the BRCA2 gene is an established disease mechanism in autosomal dominant hereditary breast and ovarian cancer syndrome (HBOC). Another variant, c.7758G>A, resulting in the same amino acid change has been identified in individuals with BRCA2-related cancers and is classified as pathogenic by this laboratory. Additionally, this variant was classified as Pathogenic on Apr 22, 2016 by the ClinGen-approved ENIGMA expert panel (Variation ID: 52401). In summary, this variant meets criteria to be classified as pathogenic for autosomal dominant HBOC. ACMG/AMP Criteria applied: PVS1, PM2, PS4_Moderate, PS1.

Department of Pathology and Molecular Medicine, Queen's University
Classification: Pathogenic for Hereditary breast ovarian cancer syndrome. Last evaluated: 2017-04-20. Review status: criteria provided, single submitter. Criteria: ACMG Guidelines, 2015. Collection method: clinical testing. Allele origin: germline. Study: The Canadian Open Genetics Repository (COGR). Not counted in ClinVar's aggregate classification.

Consortium of Investigators of Modifiers of BRCA1/2 (CIMBA), c/o University of Cambridge
Classification: Pathogenic for Breast-ovarian cancer, familial, susceptibility to, 2. Last evaluated: 2015-10-02. Review status: criteria provided, single submitter. Criteria: CIMBA Mutation Classification guidelines May 2016. Collection method: clinical testing. Allele origin: germline. Not counted in ClinVar's aggregate classification.

PreventionGenetics, part of Exact Sciences
Classification: Pathogenic for BRCA2-related condition. Last evaluated: 2024-07-30. Review status: no assertion criteria provided. Collection method: clinical testing. Allele origin: germline. Not counted in ClinVar's aggregate classification.
Comment: The BRCA2 c.7757G>A variant is predicted to result in premature protein termination (p.Trp2586*). This variant was reported in individuals with breast cancer and/or ovarian cancer (Perkowska et al. 2003. PubMed ID: 12673801; Alsop et al. 2012. PubMed ID: 22711857; George et al. 2013. PubMed ID: 23633455; Conner et al. 2014. PubMed ID: 24333842; Supplemental Table 4, Li et al. 2018. PubMed ID: 29752822; Supplemental Table, Petridis et al. 2019. PubMed ID: 31263054) and in individuals with prostate cancer (Supplemental Table 2, Willems-Jones et al. 2012. PubMed ID: 23035815; Castro et al. 2013. PubMed ID: 23569316; Walker et al. 2014. PubMed ID: 25485004). This variant was also reported in the Consortium of Investigators of Modifiers of BRCA1/2 (CIMBA) database (Supplemental Table 1, Rebbeck et al. 2018. PubMed ID: 29446198). This variant is reported in 0.0018% of alleles in individuals of European (Non-Finnish) descent in gnomAD and is reported as pathogenic in the ClinVar database. Loss of function variants in BRCA2 are known to be pathogenic. Taken together, this variant is interpreted as pathogenic.

Foulkes Cancer Genetics LDI, Lady Davis Institute for Medical Research
Classification: Pathogenic for Breast and/or ovarian cancer. Last evaluated: 2015-07-13. Review status: no assertion criteria provided. Collection method: clinical testing. Allele origin: germline. Study: The Canadian Open Genetics Repository (COGR). Not counted in ClinVar's aggregate classification.

Research Molecular Genetics Laboratory, Women's College Hospital, University of Toronto
Classification: Pathogenic for Hereditary breast ovarian cancer syndrome. Last evaluated: 2014-01-31. Review status: no assertion criteria provided. Collection method: research. Allele origin: germline. Affected: yes. Study: The Canadian Open Genetics Repository (COGR). Not counted in ClinVar's aggregate classification.

Sharing Clinical Reports Project (SCRP)
Classification: Pathogenic for Breast-ovarian cancer, familial 2. Last evaluated: 2013-04-11. Review status: no assertion criteria provided. Collection method: clinical testing. Allele origin: germline. Not counted in ClinVar's aggregate classification.

Breast Cancer Information Core (BIC) (BRCA2)
Classification: Pathogenic for Breast-ovarian cancer, familial 2. Last evaluated: 2004-02-20. Review status: no assertion criteria provided. Collection method: clinical testing. Allele origin: germline. Affected: yes. Observed: 5 variant alleles. Not counted in ClinVar's aggregate classification.

Department of Pathology and Laboratory Medicine, Sinai Health System
Classification: Pathogenic for Breast-ovarian cancer, familial, susceptibility to, 2. Review status: no assertion criteria provided. Collection method: clinical testing. Allele origin: unknown. Affected: yes. Study: The Canadian Open Genetics Repository (COGR). Not counted in ClinVar's aggregate classification.
Comment: The BRCA2 p.Trp2586X variant has been reported in 8/4826 proband chromosomes (frequency 0.002) of individuals with breast and/or ovarian cancer increasing the likelihood this variant is pathogenic, however, no normal population controls were included in these studies (Alsop 2012, Callahan 2007, Jonsson 2005, Meindl 2002, Perkowska 2003, Watson 2009, Weitzel 2005) It is reported in the BIC (x5) database as clinically significant. The variant leads to a premature stop codon at position 2586 which is predicted to cause premature truncation or an absent protein product and loss of function. Loss of function of the BRCA2 gene is an established disease mechanism for hereditary breast cancer. This variant is classified as pathogenic

Literature cited by the submitters: PubMed 20104584 (cited by Labcorp Genetics (formerly Invitae), Labcorp); PubMed 11802209 (cited by 3 submitters); PubMed 12673801 (cited by 7 submitters); PubMed 16528604 (cited by 3 submitters); PubMed 23035815 (cited by 5 submitters); PubMed 23569316 (cited by 3 submitters); PubMed 23633455 (cited by 6 submitters); PubMed 25485004 (cited by 4 submitters); PubMed 22711857 (cited by 4 submitters); PubMed 24333842 (cited by 3 submitters); PubMed 29446198 (cited by 5 submitters); PubMed 31853058 (cited by Color Diagnostics, LLC DBA Color Health); PubMed 33113089 (cited by 3 submitters); PubMed 33471991 (cited by Color Diagnostics, LLC DBA Color Health and Ambry Genetics); PubMed 39779848 (cited by Color Diagnostics, LLC DBA Color Health); PubMed 39779857 (cited by Color Diagnostics, LLC DBA Color Health); PubMed 40413188 (cited by Color Diagnostics, LLC DBA Color Health); PubMed 33758026 (cited by Quest Diagnostics Nichols Institute San Juan Capistrano); PubMed 34399810 (cited by Quest Diagnostics Nichols Institute San Juan Capistrano); PubMed 16140926 (cited by Ambry Genetics); PubMed 23524863 (cited by Ambry Genetics); PubMed 29752822 (cited by Ambry Genetics and Laboratory for Molecular Medicine, Mass General Brigham Personalized Medicine); PubMed 31263054 (cited by Ambry Genetics).